The following is an entry in ClinVar:

NM_006031.6(PCNT):c.8115C>T (p.Cys2705=)

Gene: PCNT (pericentrin; plus strand). Cytogenetic location: 21q22.3.
Variant type: single nucleotide variant.
Coding change: c.8115C>T on transcript NM_006031.6 (MANE Select); coding-DNA position 8115, C replaced by T.
Protein change: p.Cys2705=; no amino-acid change (cysteine 2705 retained).
Molecular consequence: synonymous variant.
Genome position (GRCh38, 1-based): chr21:46,431,579, C>T. VCF-style: chr21-46431579-C-T. GRCh37 (hg19) VCF-style: chr21-47851493-C-T.
Other names: c.7761C>T, p.Cys2587= (NM_001315529.2).
Identifiers: ClinVar variation 436223 (VCV000436223.17), dbSNP rs756904669, ClinGen allele CA10080896.
Genomic context (GRCh38, chr21:46,431,579, plus strand): 5'-TGCTGTCTAGGAGCTGCGGGCGTCTTTGGAGACACAGCGTGCTCAGAGCAGTCGACTCTG[C>T]GTGGCACTGAAACACGAGCAGACGGCCAAGGACAACCTGCAGAAGGAGCTGCGTATCGAG-3'
Protein context (NP_006022.3, residues 2695-2715): ETQRAQSSRL[Cys2705=]VALKHEQTAK

ClinVar aggregate classification (germline): Likely benign. Review status: criteria provided, multiple submitters, no conflicts (2 of 4 stars). 3 submissions from 3 submitters: Likely benign (2). 1 of the submissions does not count toward it. Last evaluated 2025-09-26.

Conditions:
PCNT-related disorder. Also called: PCNT-related condition.

Allele frequency attached by ClinVar (database versions not stated): TOPMed 0.00001; ExAC 0.00004; gnomAD exomes 0.00007.
gnomAD v4.1: 35 of 1,613,956 alleles (0.0022%); highest among the groups gnomAD compares: Admixed American, 0.027%; no homozygotes.

Submissions (3):

Labcorp Genetics (formerly Invitae), Labcorp
Classification: Likely benign. Last evaluated: 2025-09-26. Review status: criteria provided, single submitter. Criteria: Invitae Variant Classification Sherloc (09022015). Collection method: clinical testing. Allele origin: germline.

Genetic Services Laboratory, University of Chicago
Classification: Likely benign. Last evaluated: 2016-03-22. Review status: criteria provided, single submitter. Criteria: ACMG Guidelines, 2015. Collection method: clinical testing. Allele origin: germline. Affected: no.

PreventionGenetics, part of Exact Sciences
Classification: Likely benign for PCNT-related condition. Last evaluated: 2023-05-23. Review status: no assertion criteria provided. Collection method: clinical testing. Allele origin: germline. Not counted in ClinVar's aggregate classification.
Comment: This variant is classified as likely benign based on ACMG/AMP sequence variant interpretation guidelines (Richards et al. 2015 PMID: 25741868, with internal and published modifications).